The following is an entry in ClinVar:

ClinVar aggregate classification (germline): Pathogenic (1 of 4 stars; one submission).

Submission:

Labcorp Genetics (formerly Invitae), Labcorp
Classification: Pathogenic. Last evaluated: 2024-08-13. Review status: criteria provided, single submitter. Criteria: Invitae Variant Classification Sherloc (09022015). Collection method: clinical testing. Allele origin: germline.
Comment: This sequence change creates a premature translational stop signal (p.Lys982Asnfs*6) in the ABCA12 gene. It is expected to result in an absent or disrupted protein product. Loss-of-function variants in ABCA12 are known to be pathogenic (PMID: 20672373). This variant is not present in population databases (gnomAD no frequency). This variant has not been reported in the literature in individuals affected with ABCA12-related conditions. ClinVar contains an entry for this variant (Variation ID: 1997979). For these reasons, this variant has been classified as Pathogenic.

Literature cited by the submitters: PubMed 20672373.

NM_173076.3(ABCA12):c.2946del (p.Lys982fs)

Gene: ABCA12 (ATP binding cassette subfamily A member 12; minus strand). Cytogenetic location: 2q35.
Variant type: Deletion.
Coding change: c.2946del on transcript NM_173076.3 (MANE Select); coding-DNA position 2946, one base deleted (A; older notation c.2946delA).
Protein change: p.Lys982fs; shifts the reading frame from lysine 982.
Molecular consequence: frameshift variant. On other transcripts: non-coding transcript variant (1).
Genome position (GRCh38, 1-based): chr2:215,000,938, T deleted on the plus strand (A on the coding strand, the reverse complement: ABCA12 is on the minus strand); the first of 4 consecutive T bases (chr2:215,000,938-215,000,941); deleting any one gives the same sequence. VCF-style (leftmost placement, unchanged base first): chr2-215000937-AT-A. GRCh37 (hg19) VCF-style: chr2-215865661-AT-A.
Other names: c.1992del, p.Lys664fs (NM_015657.4); short protein forms K664fs, K982fs.
Identifiers: ClinVar variation 1997979 (VCV001997979.4), dbSNP rs2469286744, ClinGen allele CA2580065617.